The following is an entry in ClinVar:

NM_001283009.2(RTEL1):c.2158G>A (p.Ala720Thr)

Genes: RTEL1 (regulator of telomere elongation helicase 1; plus strand), RTEL1-TNFRSF6B (RTEL1-TNFRSF6B readthrough (NMD candidate); plus strand). Cytogenetic location: 20q13.33.
Variant type: single nucleotide variant.
Coding change: c.2158G>A on transcript NM_001283009.2 (MANE Select); coding-DNA position 2158, G replaced by A.
Protein change: p.Ala720Thr; replaces alanine 720 with threonine.
Molecular consequence: missense variant. On other transcripts: non-coding transcript variant (1).
Genome position (GRCh38, 1-based): chr20:63,690,103, G>A. VCF-style: chr20-63690103-G-A. GRCh37 (hg19) VCF-style: chr20-62321456-G-A.
Other names: c.2230G>A (NM_032957.4); c.1489G>A, p.Ala497Thr (NM_001283010.1); c.2158G>A, p.Ala720Thr (NM_016434.4); c.2230G>A, p.Ala744Thr (NM_032957.5); short protein forms A497T, A720T, A744T.
Identifiers: ClinVar variation 842911 (VCV000842911.7), dbSNP rs755928414, ClinGen allele CA9965214.
Genomic context (GRCh38, chr20:63,690,103, plus strand): 5'-GAAGCGGCTGTGGGCAGGGCAGCAGGGCTATGGCCACCCCCCAGGTTCGCCTTTGCCGAC[G>A]CAAGAGCCCAACTGCCCTCCTGGGTGCGTCCCCACGTCAGGGTGTATGACAACTTTGGCC-3'
Protein context (NP_001269938.1, residues 710-730): LCDHRFAFAD[Ala720Thr]RAQLPSWVRP

ClinVar aggregate classification (germline): Uncertain significance. Review status: criteria provided, multiple submitters, no conflicts (2 of 4 stars). 3 submissions from 3 submitters: Uncertain significance (2). 1 of the submissions does not count toward it. Last evaluated 2025-05-29.

Conditions:
Pulmonary fibrosis and/or bone marrow failure, Telomere-related, 3. Also called: PULMONARY FIBROSIS AND/OR BONE MARROW FAILURE SYNDROME, TELOMERE-RELATED, 3. Identifiers: Orphanet 2032, MedGen C4225346, MONDO:0014613, OMIM 616373.
Dyskeratosis congenita, autosomal recessive 5 (DKCB5). Identifiers: MedGen C3554656, MONDO:0014076, OMIM 615190.
Inborn genetic diseases. Identifiers: MedGen C0950123, MeSH D030342.
Dyskeratosis congenita. Identifiers: Orphanet 1775, MedGen C0265965, MONDO:0015780.

Allele frequency attached by ClinVar (database versions not stated): gnomAD 0.00001; TOPMed 0.00002.
gnomAD v4.1: 28 of 1,611,580 alleles (0.0017%); highest among the groups gnomAD compares: Admixed American, 0.0033%; no homozygotes.

Submissions (3):

Labcorp Genetics (formerly Invitae), Labcorp
Classification: Uncertain significance for Dyskeratosis congenita, autosomal recessive 5; Pulmonary fibrosis and/or bone marrow failure, Telomere-related, 3. Last evaluated: 2025-05-29. Review status: criteria provided, single submitter. Criteria: Invitae Variant Classification Sherloc (09022015). Collection method: clinical testing. Allele origin: germline.
Comment: This sequence change replaces alanine, which is neutral and non-polar, with threonine, which is neutral and polar, at codon 720 of the RTEL1 protein (p.Ala720Thr). This variant is present in population databases (rs755928414, gnomAD 0.007%). This variant has not been reported in the literature in individuals affected with RTEL1-related conditions. ClinVar contains an entry for this variant (Variation ID: 842911). An algorithm developed to predict the effect of missense changes on protein structure and function outputs the following: PolyPhen-2: "Benign". The threonine amino acid residue is found in multiple mammalian species, which suggests that this missense change does not adversely affect protein function. In summary, the available evidence is currently insufficient to determine the role of this variant in disease. Therefore, it has been classified as a Variant of Uncertain Significance.

Ambry Genetics
Classification: Uncertain significance for Inborn genetic diseases. Last evaluated: 2024-03-28. Review status: criteria provided, single submitter. Criteria: Ambry Variant Classification Scheme 2023. Collection method: clinical testing. Allele origin: germline.

Natera, Inc.
Classification: Uncertain significance for Dyskeratosis congenita. Last evaluated: 2021-01-27. Review status: no assertion criteria provided. Collection method: clinical testing. Allele origin: germline. Not counted in ClinVar's aggregate classification.